The following is an entry in ClinVar:

ClinVar aggregate classification (germline): Uncertain significance (1 of 4 stars; one submission).

Conditions:
Cardiovascular phenotype. Identifiers: MedGen CN230736.

Allele frequency attached by ClinVar (database versions not stated): gnomAD exomes below 0.00001; gnomAD 0.00001.

Submission:

Ambry Genetics
Classification: Uncertain significance for Cardiovascular phenotype. Last evaluated: 2022-07-06. Review status: criteria provided, single submitter. Criteria: Ambry Variant Classification Scheme 2023. Collection method: clinical testing. Allele origin: germline.
Comment: The p.P764S variant (also known as c.2290C>T), located in coding exon 21 of the ANK2 gene, results from a C to T substitution at nucleotide position 2290. The proline at codon 764 is replaced by serine, an amino acid with similar properties. This amino acid position is conserved. In addition, this alteration is predicted to be deleterious by in silico analysis. Since supporting evidence is limited at this time, the clinical significance of this alteration remains unclear.

NM_001148.6(ANK2):c.2290C>T (p.Pro764Ser)

Gene: ANK2 (ankyrin 2; plus strand). Cytogenetic location: 4q26.
Variant type: single nucleotide variant.
Coding change: c.2290C>T on transcript NM_001148.6 (MANE Select); coding-DNA position 2290, C replaced by T.
Protein change: p.Pro764Ser; replaces proline 764 with serine.
Molecular consequence: missense variant.
Genome position (GRCh38, 1-based): chr4:113,292,428, C>T. VCF-style: chr4-113292428-C-T. GRCh37 (hg19) VCF-style: chr4-114213584-C-T.
Other names: c.2227C>T, p.Pro743Ser (NM_001127493.3, NM_001354239.2, NM_001354243.2 and 10 more transcripts); c.2290C>T, p.Pro764Ser (NM_001354225.2, NM_001354228.2, NM_001354232.2 and 6 more transcripts); c.2335C>T, p.Pro779Ser (NM_001354230.2, NM_001354231.2, NM_001354237.2 and 5 more transcripts); c.2191C>T, p.Pro731Ser (NM_001354245.2, NM_001354268.2); c.2203C>T, p.Pro735Ser (NM_001354249.2, NM_001354264.2, NM_001354266.2 and 10 more transcripts); c.2128C>T, p.Pro710Ser (NM_001354253.2, NM_001354257.2, NM_001354270.2 and 1 more transcripts); c.2104C>T, p.Pro702Ser (NM_001354260.2, NM_001354271.2, NM_001386151.1); c.2248C>T, p.Pro750Ser (NM_001354261.2, NM_001386147.1, NM_001386160.1); and 8 more; short protein forms P731S, P743S, P752S, P773S, P694S, P698S, P710S, P779S.
Identifiers: ClinVar variation 1789104 (VCV001789104.2), dbSNP rs2068225809, ClinGen allele CA357919083.
Genomic context (GRCh38, chr4:113,292,428, plus strand): 5'-CTCCCTCTGCCAATCGGGTGCTGGGCCCGCCACCACTGTCCTCCACAGAACGGCTACACG[C>T]CTTTGCACCAGGCCGCTCAGCAGGGTCACACGCACATCATCAACGTCCTGCTCCAGCATG-3'
Protein context (NP_001139.3, residues 754-774): VNAKTKNGYT[Pro764Ser]LHQAAQQGHT